The following is an entry in ClinVar:

NM_004304.5(ALK):c.355G>A (p.Glu119Lys)

Gene: ALK (ALK receptor tyrosine kinase; minus strand). Cytogenetic location: 2p23.1.
Variant type: single nucleotide variant.
Coding change: c.355G>A on transcript NM_004304.5 (MANE Select); coding-DNA position 355, G replaced by A.
Protein change: p.Glu119Lys; replaces glutamic acid 119 with lysine.
Molecular consequence: missense variant.
Genome position (GRCh38, 1-based): chr2:29,920,305, C>T on the plus strand (G>A on the coding strand, the complement: ALK is on the minus strand). VCF-style: chr2-29920305-C-T. GRCh37 (hg19) VCF-style: chr2-30143171-C-T.
Other names: short protein forms E119K.
Identifiers: ClinVar variation 661774 (VCV000661774.8), dbSNP rs1572503350, ClinGen allele CA346590203.
Genomic context (GRCh38, chr2:29,920,305, plus strand): 5'-TGGCACGCCGGAGCTTGCGCACGGAGCCGCCCTTCAGCACCCTGGACAGCGTCCGGGCCT[C>T]TGCCGGGGCTGGTGAACCGGCGGTCCAGGAGACCCCCGGCGCCGGCCCCAGCAACCTGAG-3'
Protein context (NP_004295.2, residues 109-129): SWTAGSPAPA[Glu119Lys]ARTLSRVLKG

ClinVar aggregate classification (germline): Uncertain significance. Review status: criteria provided, multiple submitters, no conflicts (2 of 4 stars). 3 submissions from 3 submitters: Uncertain significance (3). Last evaluated 2025-07-06.

Conditions:
Hereditary cancer-predisposing syndrome. Also called: Neoplastic Syndromes, Hereditary; Hereditary neoplastic syndrome; Tumor predisposition; Hereditary Cancer Syndrome. Identifiers: Orphanet 140162, MedGen C0027672, MeSH D009386, MONDO:0015356.
Neuroblastoma, susceptibility to, 3. Also called: ALK-Related Neuroblastic Tumor Susceptibility. Identifiers: Orphanet 635, MedGen C2751681, MONDO:0013083, OMIM 613014.

Allele frequency attached by ClinVar (database versions not stated): TOPMed below 0.00001.

Submissions (3):

Labcorp Genetics (formerly Invitae), Labcorp
Classification: Uncertain significance for Neuroblastoma, susceptibility to, 3. Last evaluated: 2025-07-06. Review status: criteria provided, single submitter. Criteria: Invitae Variant Classification Sherloc (09022015). Collection method: clinical testing. Allele origin: germline.
Comment: This sequence change replaces glutamic acid, which is acidic and polar, with lysine, which is basic and polar, at codon 119 of the ALK protein (p.Glu119Lys). This variant is not present in population databases (gnomAD no frequency). This variant has not been reported in the literature in individuals affected with ALK-related conditions. ClinVar contains an entry for this variant (Variation ID: 661774). An algorithm developed to predict the effect of missense changes on protein structure and function (PolyPhen-2) suggests that this variant is likely to be tolerated. In summary, the available evidence is currently insufficient to determine the role of this variant in disease. Therefore, it has been classified as a Variant of Uncertain Significance.

Ambry Genetics
Classification: Uncertain significance for Hereditary cancer-predisposing syndrome. Last evaluated: 2024-03-09. Review status: criteria provided, single submitter. Criteria: Ambry Variant Classification Scheme 2023. Collection method: clinical testing. Allele origin: germline.
Comment: The p.E119K variant (also known as c.355G>A), located in coding exon 1 of the ALK gene, results from a G to A substitution at nucleotide position 355. The glutamic acid at codon 119 is replaced by lysine, an amino acid with similar properties. This amino acid position is conserved. In addition, this alteration is predicted to be tolerated by in silico analysis. Based on the available evidence, the clinical significance of this alteration remains unclear.

GeneDx
Classification: Uncertain significance. Last evaluated: 2022-12-14. Review status: criteria provided, single submitter. Criteria: GeneDx Variant Classification Process June 2021. Collection method: clinical testing. Allele origin: germline. Affected: yes.
Comment: Not observed at significant frequency in large population cohorts (gnomAD); In silico analysis supports that this missense variant does not alter protein structure/function; Has not been previously published as pathogenic or benign to our knowledge